The following is an entry in ClinVar:

ClinVar aggregate classification (germline): Pathogenic. Review status: criteria provided, multiple submitters, no conflicts (2 of 4 stars). 3 submissions from 3 submitters: Pathogenic (2). 1 of the submissions does not count toward it. Last evaluated 2025-12-17.

Conditions:
COL2A1-related disorder. Also called: COL2A1-related condition; COL2A1-related disorders.
Stickler syndrome type 1 (STL1). Also called: ARTHROOPHTHALMOPATHY, HEREDITARY PROGRESSIVE; COL2A1-Related Stickler Syndrome; STICKLER SYNDROME, MEMBRANOUS VITREOUS TYPE; STICKLER SYNDROME, VITREOUS TYPE 1. Identifiers: Orphanet 828, Orphanet 90653, MedGen C2020284, MONDO:0007160, OMIM 108300.

Submissions (3):

Labcorp Genetics (formerly Invitae), Labcorp
Classification: Pathogenic. Last evaluated: 2025-12-17. Review status: criteria provided, single submitter. Criteria: Invitae Variant Classification Sherloc (09022015). Collection method: clinical testing. Allele origin: germline.
Comment: This sequence change creates a premature translational stop signal (p.Asn1327Ilefs*49) in the COL2A1 gene. It is expected to result in an absent or disrupted protein product. Loss-of-function variants in COL2A1 are known to be pathogenic (PMID: 20179744). This variant is not present in population databases (gnomAD no frequency). This premature translational stop signal has been observed in individual(s) with Stickler syndrome (PMID: 7487609). It has also been observed to segregate with disease in related individuals. ClinVar contains an entry for this variant (Variation ID: 17373). For these reasons, this variant has been classified as Pathogenic.

Blueprint Genetics
Classification: Pathogenic for COL2A1-related disorders. Last evaluated: 2021-12-16. Review status: criteria provided, single submitter. Criteria: ACMG Guidelines, 2015. Collection method: clinical testing. Allele origin: germline. Affected: yes. Observed: 1 variant allele.

OMIM
Classification: Pathogenic for STICKLER SYNDROME, TYPE I. Last evaluated: 1995-11-01. Review status: no assertion criteria provided. Collection method: literature only. Allele origin: germline. Not counted in ClinVar's aggregate classification.

Literature cited by the submitters: PubMed 20179744 (cited by Labcorp Genetics (formerly Invitae), Labcorp); PubMed 7487609 (cited by Labcorp Genetics (formerly Invitae), Labcorp and OMIM).

NM_001844.5(COL2A1):c.3978del (p.Asn1327fs)

Gene: COL2A1 (collagen type II alpha 1 chain; minus strand). Cytogenetic location: 12q13.11.
Variant type: Deletion.
Coding change: c.3978del on transcript NM_001844.5 (MANE Select); coding-DNA position 3978, one base deleted (C; older notation c.3978delC).
Protein change: p.Asn1327fs; shifts the reading frame from asparagine 1327.
Molecular consequence: frameshift variant.
Genome position (GRCh38, 1-based): chr12:47,974,771, G deleted on the plus strand (C on the coding strand, the reverse complement: COL2A1 is on the minus strand); the first of 4 consecutive G bases (chr12:47,974,771-47,974,774); deleting any one gives the same sequence. VCF-style (leftmost placement, unchanged base first): chr12-47974770-TG-T. GRCh37 (hg19) VCF-style: chr12-48368553-TG-T.
Other names: c.3771del, p.Asn1258fs (NM_033150.3); short protein forms N1258fs, N1327fs.
Identifiers: ClinVar variation 17373 (VCV000017373.10), dbSNP rs2136508504, ClinGen allele CA2573053662.